The following is an entry in ClinVar:

ClinVar aggregate classification (germline): Uncertain significance (1 of 4 stars; one submission).

Submission:

GeneDx
Classification: Uncertain significance. Last evaluated: 2019-02-21. Review status: criteria provided, single submitter. Criteria: GeneDx Variant Classification Process June 2021. Collection method: clinical testing. Allele origin: germline. Affected: yes.
Comment: Not observed in large population cohorts (Lek et al., 2016); In silico analysis, which includes protein predictors and evolutionary conservation, supports that this variant does not alter protein structure/function; Has not been previously published as pathogenic or benign to our knowledge

NM_000170.3(GLDC):c.276G>C (p.Glu92Asp)

Gene: GLDC (glycine decarboxylase; minus strand). Cytogenetic location: 9p24.1.
Variant type: single nucleotide variant.
Coding change: c.276G>C on transcript NM_000170.3 (MANE Select); coding-DNA position 276, G replaced by C.
Protein change: p.Glu92Asp; replaces glutamic acid 92 with aspartic acid.
Molecular consequence: missense variant.
Genome position (GRCh38, 1-based): chr9:6,644,672, C>G on the plus strand (G>C on the coding strand, the complement: GLDC is on the minus strand). VCF-style: chr9-6644672-C-G. GRCh37 (hg19) VCF-style: chr9-6644672-C-G.
Other names: short protein forms E92D.
Identifiers: ClinVar variation 1306015 (VCV001306015.2), dbSNP rs2130029415, ClinGen allele CA372885846.